The following is an entry in ClinVar:

NM_022552.5(DNMT3A):c.137G>A (p.Arg46Gln)

Gene: DNMT3A (DNA methyltransferase 3 alpha; minus strand). Cytogenetic location: 2p23.3.
Variant type: single nucleotide variant.
Coding change: c.137G>A on transcript NM_022552.5 (MANE Select); coding-DNA position 137, G replaced by A.
Protein change: p.Arg46Gln; replaces arginine 46 with glutamine.
Molecular consequence: missense variant. On other transcripts: non-coding transcript variant (1).
Genome position (GRCh38, 1-based): chr2:25,300,179, C>T on the plus strand (G>A on the coding strand, the complement: DNMT3A is on the minus strand). VCF-style: chr2-25300179-C-T. GRCh37 (hg19) VCF-style: chr2-25523048-C-T.
Other names: c.137G>A, p.Arg46Gln (NM_001320892.2, NM_175629.2, NM_175630.1); short protein forms R46Q.
Identifiers: ClinVar variation 828144 (VCV000828144.2), dbSNP rs1573454800, ClinGen allele CA346251655.

ClinVar aggregate classification (germline): Uncertain significance. Review status: criteria provided, single submitter (1 of 4 stars). 2 submissions from 2 submitters: Uncertain significance (1). 1 of the submissions does not count toward it. Last evaluated 2023-06-27.

Conditions:
Tatton-Brown-Rahman overgrowth syndrome. Also called: Tatton-Brown-Rahman syndrome; Tall stature-intellectual disability-facial dysmorphism syndrome. Identifiers: Orphanet 404443, MedGen C4014545, MONDO:0014382, OMIM 615879.

Allele frequency attached by ClinVar (database versions not stated): gnomAD exomes 0.00001.
gnomAD v4.1: 15 of 1,613,160 alleles (0.00093%); highest among the groups gnomAD compares: East Asian, 0.0022%; no homozygotes.

Submissions (2):

GeneDx
Classification: Uncertain significance. Last evaluated: 2023-06-27. Review status: criteria provided, single submitter. Criteria: GeneDx Variant Classification Process June 2021. Collection method: clinical testing. Allele origin: germline. Affected: yes.
Comment: Not observed at significant frequency in large population cohorts (gnomAD); In silico analysis supports that this missense variant has a deleterious effect on protein structure/function; Has not been previously published as pathogenic or benign to our knowledge

Biochemical Molecular Genetic Laboratory, King Abdulaziz Medical City
Classification: Uncertain significance for Tatton-Brown-Rahman overgrowth syndrome. Last evaluated: 2020-02-05. Review status: no assertion criteria provided. Collection method: clinical testing. Allele origin: germline. Affected: yes. Not counted in ClinVar's aggregate classification.